The following is an entry in ClinVar:

NM_014014.5(SNRNP200):c.3736G>A (p.Ala1246Thr)

Gene: SNRNP200 (small nuclear ribonucleoprotein U5 subunit 200; minus strand). Cytogenetic location: 2q11.2.
Variant type: single nucleotide variant.
Coding change: c.3736G>A on transcript NM_014014.5 (MANE Select); coding-DNA position 3736, G replaced by A.
Protein change: p.Ala1246Thr; replaces alanine 1246 with threonine.
Molecular consequence: missense variant.
Genome position (GRCh38, 1-based): chr2:96,286,781, C>T on the plus strand (G>A on the coding strand, the complement: SNRNP200 is on the minus strand). VCF-style: chr2-96286781-C-T. GRCh37 (hg19) VCF-style: chr2-96952519-C-T.
Other names: short protein forms A1246T.
Identifiers: ClinVar variation 3618558 (VCV003618558.2).

ClinVar aggregate classification (germline): Uncertain significance (1 of 4 stars; one submission).

gnomAD v4.1: 16 of 1,614,174 alleles (0.00099%); highest among the groups gnomAD compares: East Asian, 0.0089%; no homozygotes.

Submission:

Labcorp Genetics (formerly Invitae), Labcorp
Classification: Uncertain significance. Last evaluated: 2024-07-30. Review status: criteria provided, single submitter. Criteria: Invitae Variant Classification Sherloc (09022015). Collection method: clinical testing. Allele origin: germline.
Comment: This sequence change replaces alanine, which is neutral and non-polar, with threonine, which is neutral and polar, at codon 1246 of the SNRNP200 protein (p.Ala1246Thr). This variant is present in population databases (rs756286217, gnomAD 0.02%). This variant has not been reported in the literature in individuals affected with SNRNP200-related conditions. Advanced modeling of protein sequence and biophysical properties (such as structural, functional, and spatial information, amino acid conservation, physicochemical variation, residue mobility, and thermodynamic stability) performed at Invitae indicates that this missense variant is expected to disrupt SNRNP200 protein function with a positive predictive value of 80%. In summary, the available evidence is currently insufficient to determine the role of this variant in disease. Therefore, it has been classified as a Variant of Uncertain Significance.